The following is an entry in ClinVar:

ClinVar aggregate classification (germline): Uncertain significance (1 of 4 stars; one submission).

Conditions:
Early-infantile DEE. Also called: Early infantile epileptic encephalopathy; Early infantile epileptic encephalopathy with suppression bursts; Ohtahara syndrome. Identifiers: Orphanet 1934, MedGen C0393706, MONDO:0800491.

Submission:

Labcorp Genetics (formerly Invitae), Labcorp
Classification: Uncertain significance for Early-infantile DEE. Last evaluated: 2021-04-26. Review status: criteria provided, single submitter. Criteria: Invitae Variant Classification Sherloc (09022015). Collection method: clinical testing. Allele origin: germline.
Comment: In summary, the available evidence is currently insufficient to determine the role of this variant in disease. Therefore, it has been classified as a Variant of Uncertain Significance. Experimental studies and prediction algorithms are not available or were not evaluated, and the functional significance of this variant is currently unknown. This variant has not been reported in the literature in individuals with ARHGEF15-related conditions. This variant is not present in population databases (ExAC no frequency). This variant, c.452_457del, results in the deletion of 2 amino acid(s) of the ARHGEF15 protein (p.Arg151_Arg152del), but otherwise preserves the integrity of the reading frame.

NM_173728.4(ARHGEF15):c.452_457del (p.Arg151_Arg152del)

Gene: ARHGEF15 (Rho guanine nucleotide exchange factor 15; plus strand). Cytogenetic location: 17p13.1.
Variant type: Deletion.
Coding change: c.452_457del on transcript NM_173728.4 (MANE Select); coding-DNA positions 452 to 457, 6 bases deleted (GGAGGC; older notation c.452_457delGGAGGC).
Protein change: p.Arg151_Arg152del.
Molecular consequence: inframe deletion.
Genome position (GRCh38, 1-based): chr17:8,312,491-8,312,496, GGAGGC deleted; deleting any 6 consecutive bases within chr17:8,312,489-8,312,496 gives the same sequence; the c. name uses the placement nearest the transcript's 3' end. VCF-style (leftmost placement, unchanged base first): chr17-8312488-TGCGGAG-T. GRCh37 (hg19) VCF-style: chr17-8215806-TGCGGAG-T.
Other names: c.452_457del, p.Arg151_Arg152del (NM_025014.2).
Identifiers: ClinVar variation 1348481 (VCV001348481.9), dbSNP rs2151635412, ClinGen allele CA2573154745.
Genomic context (GRCh38, chr17:8,312,488, plus strand): 5'-CTCTGCTCCCCATGGCTGGAGTCCTGGCTCAGAATGGCTCTGCCTCAGCTCCTGGCACTG[TGCGGAG>T]GCTGGCTGGCAGGTTTGAAGGGGGTGCTGAAGGCCGGGCTCAGGATGCAGATGCCCCGGA-3'